The following is an entry in ClinVar:

NM_015459.5(ATL3):c.712-9C>T

Genes: ATL3 (atlastin GTPase 3; minus strand), LNCROPM (lncRNA regulator of PLAAT3 mediated phospholipid metabolism; plus strand). Cytogenetic location: 11q13.1.
Variant type: single nucleotide variant.
Coding change: c.712-9C>T on transcript NM_015459.5 (MANE Select); 9 bases into the intron before coding-DNA position 712, C replaced by T.
Molecular consequence: intron variant.
Genome position (GRCh38, 1-based): chr11:63,643,504, G>A on the plus strand (C>T on the coding strand, the complement: ATL3 is on the minus strand). VCF-style: chr11-63643504-G-A. GRCh37 (hg19) VCF-style: chr11-63410976-G-A.
Other names: c.601-9C>T (NM_001440720.1); c.658-9C>T (NM_001290048.2); c.499-9C>T (NM_001440722.1); c.556-9C>T (NM_001440721.1); c.607-9C>T (NM_001440719.1); c.661-9C>T (NM_001440716.1); c.655-9C>T (NM_001440717.1); c.712-9C>T (NM_001440718.1).
Identifiers: ClinVar variation 4985847 (VCV004985847.1).

ClinVar aggregate classification (germline): Likely benign (1 of 4 stars; one submission).

Conditions:
ATL3-related disorder. Also called: ATL3-related condition.

gnomAD v4.1: 7 of 1,601,530 alleles (0.00044%); highest among the groups gnomAD compares: South Asian, 0.0057%; no homozygotes.

Submission:

PreventionGenetics, part of Exact Sciences
Classification: Likely benign for ATL3-related condition. Last evaluated: 2026-03-18. Review status: criteria provided, single submitter. Criteria: ACMG Guidelines, 2015. Collection method: clinical testing. Allele origin: germline.
Comment: This variant is classified as likely benign based on ACMG/AMP sequence variant interpretation guidelines (Richards et al. 2015 PMID: 25741868, with internal and published modifications).